The following is an entry in ClinVar:

ClinVar aggregate classification (germline): Pathogenic/Likely pathogenic. Review status: criteria provided, multiple submitters, no conflicts (2 of 4 stars). 5 submissions from 5 submitters: Pathogenic (3); Likely pathogenic (2). Last evaluated 2025-08-07.

Conditions:
Hereditary cancer-predisposing syndrome. Also called: Tumor predisposition; Neoplastic Syndromes, Hereditary; Hereditary Cancer Syndrome; Hereditary neoplastic syndrome. Identifiers: Orphanet 140162, MedGen C0027672, MeSH D009386, MONDO:0015356.
Microcephaly, normal intelligence and immunodeficiency (NBS). Also called: IMMUNODEFICIENCY, MICROCEPHALY, AND CHROMOSOMAL INSTABILITY; BERLIN BREAKAGE SYNDROME; Immunodeficiency, microcephaly with normal intelligence; Ataxia telangiectasia variant V1; SEEMANOVA SYNDROME II; Nijmegen breakage syndrome. Identifiers: Orphanet 647, MedGen C0398791, MONDO:0009623, OMIM 251260.

Submissions (5):

Labcorp Genetics (formerly Invitae), Labcorp
Classification: Pathogenic for Microcephaly, normal intelligence and immunodeficiency. Last evaluated: 2025-08-07. Review status: criteria provided, single submitter. Criteria: Invitae Variant Classification Sherloc (09022015). Collection method: clinical testing. Allele origin: germline.
Comment: This sequence change creates a premature translational stop signal (p.Arg28Thrfs*5) in the NBN gene. It is expected to result in an absent or disrupted protein product. Loss-of-function variants in NBN are known to be pathogenic (PMID: 9590180, 16415040). This variant is not present in population databases (gnomAD no frequency). This variant has not been reported in the literature in individuals affected with NBN-related conditions. ClinVar contains an entry for this variant (Variation ID: 483951). For these reasons, this variant has been classified as Pathogenic.

Genetic Services Laboratory, University of Chicago
Classification: Likely pathogenic. Last evaluated: 2025-04-28. Review status: criteria provided, single submitter. Criteria: ACMG Guidelines, 2015. Collection method: clinical testing. Allele origin: germline.
Comment: The c.83_89del variant: Is a seven base pair deletion in exon 2. Results in an amino acid frameshift and creates a premature stop codon 4 amino acids downstream of the change, p.Arg28Thrfs*5. Predicted to result in an abnormal transcript, which may be degraded, or may lead to the production of a truncated NBN protein with potentially abnormal function. Has not been described in the literature in individuals with NBN-related disorders. However, loss-of-function variants in NBN are known to be pathogenic (PMID: 9590180, 16415040). Is reported in the gnomAD v4 database with a frequency of 0.00006% in the global population. ClinVar contains an entry for this variant (Variation ID: 483951). Collectively this evidence indicates that this variant is likely pathogenic; however functional studies have not been performed to prove this conclusively.

Ambry Genetics
Classification: Pathogenic for Hereditary cancer-predisposing syndrome. Last evaluated: 2023-10-12. Review status: criteria provided, single submitter. Criteria: Ambry Variant Classification Scheme 2023. Collection method: clinical testing. Allele origin: germline.
Comment: The c.83_89delGGAAAAA pathogenic mutation, located in coding exon 2 of the NBN gene, results from a deletion of 7 nucleotides at nucleotide positions 83 to 89, causing a translational frameshift with a predicted alternate stop codon (p.R28Tfs*5). This variant is considered to be rare based on population cohorts in the Genome Aggregation Database (gnomAD). This alteration is expected to result in loss of function by premature protein truncation or nonsense-mediated mRNA decay. As such, this alteration is interpreted as a disease-causing mutation.

Genome-Nilou Lab
Classification: Pathogenic for Microcephaly, normal intelligence and immunodeficiency. Last evaluated: 2021-11-07. Review status: criteria provided, single submitter. Criteria: ACMG Guidelines, 2015. Collection method: clinical testing. Allele origin: germline. Affected: no.

Sema4
Classification: Likely pathogenic for Hereditary cancer-predisposing syndrome. Last evaluated: 2021-07-15. Review status: criteria provided, single submitter. Criteria: Sema4 Curation Guidelines. Collection method: curation. Allele origin: germline.
Comment: To the best of our knowledge, the NBN c.83_89delGGAAAAA (p.R28TfsX5) variant has not been reported in individuals with NBN-related disease. This variant is predicted to cause a frameshift at amino acid 28 that results in a premature termination 5 amino acids downstream. This pathogenic variant is predicted to cause loss of normal protein function either through protein truncation or nonsense-mediated mRNA decay. This variant is not reported in the population database Genome Aggregation Database (PMID: 32461654). This variant has been reported in ClinVar (Variation ID: 483951). Based on the current evidence available, this variant is interpreted as likely pathogenic.

Literature cited by the submitters: PubMed 9590180 (cited by Labcorp Genetics (formerly Invitae), Labcorp); PubMed 16415040 (cited by Labcorp Genetics (formerly Invitae), Labcorp).

NM_002485.5(NBN):c.83_89del (p.Arg28fs)

Gene: NBN (nibrin; minus strand). Cytogenetic location: 8q21.3.
Variant type: Deletion.
Coding change: c.83_89del on transcript NM_002485.5 (MANE Select); coding-DNA positions 83 to 89, 7 bases deleted (GGAAAAA; older notation c.83_89delGGAAAAA).
Protein change: p.Arg28fs; shifts the reading frame from arginine 28.
Molecular consequence: frameshift variant. On other transcripts: 5 prime UTR variant (1).
Genome position (GRCh38, 1-based): chr8:89,982,804-89,982,810, TTTTTCC deleted on the plus strand (GGAAAAA on the coding strand, the reverse complement: NBN is on the minus strand); deleting any 7 consecutive bases within chr8:89,982,804-89,982,812 gives the same sequence; the c. name uses the placement nearest the transcript's 3' end. VCF-style (leftmost placement, unchanged base first): chr8-89982803-GTTTTTCC-G. GRCh37 (hg19) VCF-style: chr8-90995031-GTTTTTCC-G.
Other names: c.83_89delGGAAAAA (NM_002485.4); c.-214_-208del (NM_001024688.3); short protein forms R28fs.
Identifiers: ClinVar variation 483951 (VCV000483951.19), dbSNP rs1554569106, ClinGen allele CA658657796.